The following is an entry in ClinVar:

ClinVar aggregate classification (germline): Uncertain significance (1 of 4 stars; one submission).

gnomAD v4.1: 3 of 1,580,260 alleles (0.00019%); highest among the groups gnomAD compares: African/African-American, 0.0013%; no homozygotes.

Submission:

GeneDx
Classification: Uncertain significance. Last evaluated: 2026-02-03. Review status: criteria provided, single submitter. Criteria: GeneDx Variant Classification Process June 2021. Collection method: clinical testing. Allele origin: germline.
Comment: In silico analysis supports that this missense variant has a deleterious effect on protein structure/function; Has not been previously published as pathogenic or benign to our knowledge

NM_025216.3(WNT10A):c.1168G>A (p.Glu390Lys)

Gene: WNT10A (Wnt family member 10A; plus strand). Cytogenetic location: 2q35.
Variant type: single nucleotide variant.
Coding change: c.1168G>A on transcript NM_025216.3 (MANE Select); coding-DNA position 1168, G replaced by A.
Protein change: p.Glu390Lys; replaces glutamic acid 390 with lysine.
Molecular consequence: missense variant.
Genome position (GRCh38, 1-based): chr2:218,893,185, G>A. VCF-style: chr2-218893185-G-A. GRCh37 (hg19) VCF-style: chr2-219757907-G-A.
Other names: short protein forms E390K.
Identifiers: ClinVar variation 4975253 (VCV004975253.1).